The following is an entry in ClinVar:

ClinVar aggregate classification (germline): Uncertain significance (1 of 4 stars; one submission).

Submission:

Labcorp Genetics (formerly Invitae), Labcorp
Classification: Uncertain significance. Last evaluated: 2025-10-19. Review status: criteria provided, single submitter. Criteria: Invitae Variant Classification Sherloc (09022015). Collection method: clinical testing. Allele origin: germline.
Comment: This sequence change replaces phenylalanine, which is neutral and non-polar, with leucine, which is neutral and non-polar, at codon 134 of the ERBIN protein (p.Phe134Leu). This variant is not present in population databases (gnomAD no frequency). This variant has not been reported in the literature in individuals affected with ERBIN-related conditions. An algorithm developed to predict the effect of missense changes on protein structure and function (PolyPhen-2) suggests that this variant is likely to be disruptive. In summary, the available evidence is currently insufficient to determine the role of this variant in disease. Therefore, it has been classified as a Variant of Uncertain Significance.

NM_001253697.2(ERBIN):c.402T>G (p.Phe134Leu)

Gene: ERBIN (erbb2 interacting protein; plus strand). Cytogenetic location: 5q12.3.
Variant type: single nucleotide variant.
Coding change: c.402T>G on transcript NM_001253697.2 (MANE Select); coding-DNA position 402, T replaced by G.
Protein change: p.Phe134Leu; replaces phenylalanine 134 with leucine.
Molecular consequence: missense variant.
Genome position (GRCh38, 1-based): chr5:66,013,564, T>G. VCF-style: chr5-66013564-T-G. GRCh37 (hg19) VCF-style: chr5-65309392-T-G.
Other names: c.402T>G, p.Phe134Leu (NM_001006600.3, NM_001253698.2, NM_001253699.2 and 2 more transcripts); short protein forms F134L.
Identifiers: ClinVar variation 4699734 (VCV004699734.1).
Genomic context (GRCh38, chr5:66,013,564, plus strand): 5'-GAATTTCTTACATGAACTTAACTTAAATTCTGGTATTTTATGTAGGCTCCCTGATGGATT[T>G]TCTCAGCTGTTAAACCTAACCCAGTTGTATCTGAATGATGCTTTTCTTGAGTTCTTGCCA-3'
Protein context (NP_001240626.1, residues 124-144): VNPISKLPDG[Phe134Leu]SQLLNLTQLY